The following is an entry in ClinVar:

NM_057175.5(NAA15):c.1240A>G (p.Lys414Glu)

Gene: NAA15 (N-alpha-acetyltransferase 15, NatA auxiliary subunit; plus strand). Cytogenetic location: 4q31.1.
Variant type: single nucleotide variant.
Coding change: c.1240A>G on transcript NM_057175.5 (MANE Select); coding-DNA position 1240, A replaced by G.
Protein change: p.Lys414Glu; replaces lysine 414 with glutamic acid.
Molecular consequence: missense variant.
Genome position (GRCh38, 1-based): chr4:139,357,538, A>G. VCF-style: chr4-139357538-A-G. GRCh37 (hg19) VCF-style: chr4-140278692-A-G.
Other names: c.1240A>G, p.Lys414Glu (NM_001410842.1); short protein forms K414E.
Identifiers: ClinVar variation 3600756 (VCV003600756.1).

ClinVar aggregate classification (germline): Uncertain significance (1 of 4 stars; one submission).

gnomAD v4.1: 1 of 1,605,528 alleles (0.000062%); highest among the groups gnomAD compares: Non-Finnish European, 0.000085%; no homozygotes.

Submission:

GeneDx
Classification: Uncertain significance. Last evaluated: 2024-07-19. Review status: criteria provided, single submitter. Criteria: GeneDx Variant Classification Process June 2021. Collection method: clinical testing. Allele origin: germline. Affected: yes.
Comment: Not observed at significant frequency in large population cohorts (gnomAD); In silico analysis supports that this missense variant has a deleterious effect on protein structure/function; Has not been previously published as pathogenic or benign to our knowledge